The following is an entry in ClinVar:

ClinVar aggregate classification (germline): Benign/Likely benign. Review status: criteria provided, multiple submitters, no conflicts (2 of 4 stars). 5 submissions from 5 submitters: Benign (1); Likely benign (4). Last evaluated 2025-03-17.

Conditions:
Hereditary cancer-predisposing syndrome. Also called: Hereditary Cancer Syndrome; Hereditary neoplastic syndrome; Neoplastic Syndromes, Hereditary; Tumor predisposition. Identifiers: Orphanet 140162, MedGen C0027672, MeSH D009386, MONDO:0015356.
Familial cancer of breast. Also called: hereditary breast carcinoma; Hereditary breast cancer; BREAST CANCER, FAMILIAL. Identifiers: Orphanet 227535, MedGen C0346153, MONDO:0016419, OMIM 114480. Disease mechanism: loss of function.

Submissions (5):

Labcorp Genetics (formerly Invitae), Labcorp
Classification: Likely benign for Familial cancer of breast. Last evaluated: 2025-03-17. Review status: criteria provided, single submitter. Criteria: Invitae Variant Classification Sherloc (09022015). Collection method: clinical testing. Allele origin: germline.

Myriad Genetics, Inc.
Classification: Benign for Familial cancer of breast. Last evaluated: 2025-01-10. Review status: criteria provided, single submitter. Criteria: Myriad Autosomal Dominant, Autosomal Recessive and X-Linked Classification Criteria (2023). Collection method: clinical testing. Allele origin: unknown.
Comment: This variant is considered benign. This variant is a silent/synonymous amino acid change and it is not expected to impact splicing.

Color Diagnostics, LLC DBA Color Health
Classification: Likely benign for Hereditary cancer-predisposing syndrome. Last evaluated: 2024-06-13. Review status: criteria provided, single submitter. Criteria: ACMG Guidelines, 2015. Collection method: clinical testing. Allele origin: germline.

Ambry Genetics
Classification: Likely benign for Hereditary cancer-predisposing syndrome. Last evaluated: 2023-04-07. Review status: criteria provided, single submitter. Criteria: Ambry Variant Classification Scheme 2023. Collection method: clinical testing. Allele origin: germline.

GeneDx
Classification: Likely benign. Last evaluated: 2015-12-31. Review status: criteria provided, single submitter. Criteria: GeneDx Variant Classification (06012015). Collection method: clinical testing. Allele origin: germline. Affected: yes.
Comment: This variant is considered likely benign or benign based on one or more of the following criteria: it is a conservative change, it occurs at a poorly conserved position in the protein, it is predicted to be benign by multiple in silico algorithms, and/or has population frequency not consistent with disease.

NM_024675.4(PALB2):c.903T>C (p.Asp301=)

Gene: PALB2 (partner and localizer of BRCA2; minus strand). Cytogenetic location: 16p12.2.
Variant type: single nucleotide variant.
Coding change: c.903T>C on transcript NM_024675.4 (MANE Select); coding-DNA position 903, T replaced by C.
Protein change: p.Asp301=; no amino-acid change (aspartic acid 301 retained).
Molecular consequence: synonymous variant.
Genome position (GRCh38, 1-based): chr16:23,635,643, A>G on the plus strand (T>C on the coding strand, the complement: PALB2 is on the minus strand). VCF-style: chr16-23635643-A-G. GRCh37 (hg19) VCF-style: chr16-23646964-A-G.
Identifiers: ClinVar variation 382713 (VCV000382713.16), dbSNP rs1057521432, ClinGen allele CA16608125.
Genomic context (GRCh38, chr16:23,635,643, plus strand): 5'-TAAATTAGAACTTGTGGGCAGTTGGCCACTTTTACTTATAGCTTTATTTACAAGGAGGTT[A>G]TCTGTAGAGACAGTCATTTTTTTGCCTTGTGCCTCCAAACTTACAGGTGAAGTAAATCTA-3'
Protein context (NP_078951.2, residues 291-311): AQGKKMTVST[Asp301=]NLLVNKAISK